The following is an entry in ClinVar:

NM_004614.5(TK2):c.31G>T (p.Ala11Ser)

Genes: TK2 (thymidine kinase 2; minus strand), LOC130059156 (ATAC-STARR-seq lymphoblastoid silent region 7560; plus strand). Cytogenetic location: 16q21.
Variant type: single nucleotide variant.
Coding change: c.31G>T on transcript NM_004614.5 (MANE Select); coding-DNA position 31, G replaced by T.
Protein change: p.Ala11Ser; replaces alanine 11 with serine.
Molecular consequence: missense variant. On other transcripts: 5 prime UTR variant (2), non-coding transcript variant (1), intron variant (2).
Genome position (GRCh38, 1-based): chr16:66,550,031, C>A on the plus strand (G>T on the coding strand, the complement: TK2 is on the minus strand). VCF-style: chr16-66550031-C-A. GRCh37 (hg19) VCF-style: chr16-66583934-C-A.
Other names: c.31G>T, p.Ala11Ser (NM_001172644.2, NM_001172645.2); c.-212G>T (NM_001271934.2); c.-622G>T (NM_001272050.2); c.31+222G>T (NM_001271935.1, NM_001172643.1); short protein forms A11S.
Identifiers: ClinVar variation 1957751 (VCV001957751.2), dbSNP rs1395399302, ClinGen allele CA396194348.

ClinVar aggregate classification (germline): Uncertain significance (1 of 4 stars; one submission).

gnomAD v4.1: 3 of 1,552,694 alleles (0.00019%); highest among the groups gnomAD compares: African/African-American, 0.0014%; no homozygotes.

Submission:

Labcorp Genetics (formerly Invitae), Labcorp
Classification: Uncertain significance. Last evaluated: 2022-06-29. Review status: criteria provided, single submitter. Criteria: Invitae Variant Classification Sherloc (09022015). Collection method: clinical testing. Allele origin: germline.
Comment: This sequence change replaces alanine, which is neutral and non-polar, with serine, which is neutral and polar, at codon 11 of the TK2 protein (p.Ala11Ser). This variant is not present in population databases (gnomAD no frequency). This variant has not been reported in the literature in individuals affected with TK2-related conditions. Advanced modeling of protein sequence and biophysical properties (such as structural, functional, and spatial information, amino acid conservation, physicochemical variation, residue mobility, and thermodynamic stability) performed at Invitae indicates that this missense variant is not expected to disrupt TK2 protein function. In summary, the available evidence is currently insufficient to determine the role of this variant in disease. Therefore, it has been classified as a Variant of Uncertain Significance.